The following is an entry in ClinVar:

ClinVar aggregate classification (germline): Conflicting classifications of pathogenicity. Review status: criteria provided, conflicting classifications (1 of 4 stars). 7 submissions from 7 submitters: Uncertain significance (1); Benign (4); Likely benign (1). 1 of the submissions does not count toward it. Last evaluated 2026-02-02.

Conditions:
Spastic paraplegia. Identifiers: MedGen C0037772, HP:0001258.
Hereditary spastic paraplegia. Also called: Familial spastic paraparesis. Identifiers: Orphanet 685, MedGen C0037773, MONDO:0019064. Disease mechanism: loss of function.
Charlevoix-Saguenay spastic ataxia (SACS). Also called: SPASTIC ATAXIA 6, AUTOSOMAL RECESSIVE; AUTOSOMAL RECESSIVE SPASTIC ATAXIA OF CHARLEVOIX-SAGUENAY; Spastic ataxia of Charlevoix-Saguenay. Identifiers: Orphanet 98, MedGen C1849140, MONDO:0010041, OMIM 270550.

Allele frequency attached by ClinVar (database versions not stated): gnomAD exomes 0.00058 and 0.00169; ExAC 0.00216; 1000 Genomes Project 0.00479; 1000 Genomes Project 30x 0.00500; gnomAD 0.00649 and 0.00706; TOPMed 0.00772; ESP Exome Variant Server 0.00800.
gnomAD v4.1: 1,867 of 1,613,856 alleles (0.12%); highest among the groups gnomAD compares: African/African-American, 2.2%; 19 homozygotes.

Submissions (7):

Labcorp Genetics (formerly Invitae), Labcorp
Classification: Benign for Spastic paraplegia. Last evaluated: 2026-02-02. Review status: criteria provided, single submitter. Criteria: Invitae Variant Classification Sherloc (09022015). Collection method: clinical testing. Allele origin: germline.

Athena Diagnostics
Classification: Benign. Last evaluated: 2024-12-18. Review status: criteria provided, single submitter. Criteria: Athena Diagnostics Criteria. Collection method: clinical testing. Allele origin: unknown.
Comment: The frequency of this variant in the general population is higher than would generally be expected for pathogenic variants in this gene.

Genome-Nilou Lab
Classification: Benign for Charlevoix-Saguenay spastic ataxia. Last evaluated: 2021-09-05. Review status: criteria provided, single submitter. Criteria: ACMG Guidelines, 2015. Collection method: clinical testing. Allele origin: germline. Affected: no.

Genome Diagnostics Laboratory, The Hospital for Sick Children
Classification: Likely benign for Hereditary spastic paraplegia. Last evaluated: 2020-02-01. Review status: criteria provided, single submitter. Criteria: ACMG Guidelines, 2015. Collection method: clinical testing. Allele origin: germline. Affected: yes.

Mayo Clinic Laboratories, Mayo Clinic
Classification: Benign. Last evaluated: 2019-12-09. Review status: criteria provided, single submitter. Criteria: ACMG Guidelines, 2015. Collection method: clinical testing. Allele origin: germline. Observed: 14 variant alleles.

Illumina Laboratory Services, Illumina
Classification: Uncertain significance for Charlevoix-Saguenay spastic ataxia. Last evaluated: 2018-01-12. Review status: criteria provided, single submitter. Criteria: ICSL Variant Classification Criteria 13 December 2019. Collection method: clinical testing. Allele origin: germline.

Natera, Inc.
Classification: Benign for Charlevoix-Saguenay type spastic ataxia. Last evaluated: 2019-11-11. Review status: no assertion criteria provided. Collection method: clinical testing. Allele origin: germline. Not counted in ClinVar's aggregate classification.

NM_014363.6(SACS):c.6069C>T (p.Asn2023=)

Gene: SACS (sacsin molecular chaperone; minus strand). Cytogenetic location: 13q12.12.
Variant type: single nucleotide variant.
Coding change: c.6069C>T on transcript NM_014363.6 (MANE Select); coding-DNA position 6069, C replaced by T.
Protein change: p.Asn2023=; no amino-acid change (asparagine 2023 retained).
Molecular consequence: synonymous variant.
Genome position (GRCh38, 1-based): chr13:23,337,807, G>A on the plus strand (C>T on the coding strand, the complement: SACS is on the minus strand). VCF-style: chr13-23337807-G-A. GRCh37 (hg19) VCF-style: chr13-23911946-G-A.
Other names: p.Asn2023=; c.6069C>T (NM_014363.4); c.5628C>T, p.Asn1876= (NM_001278055.2).
Identifiers: ClinVar variation 311535 (VCV000311535.25), dbSNP rs35369023, ClinGen allele CA6911143.
Genomic context (GRCh38, chr13:23,337,807, plus strand): 5'-TTTGCAGCCAGCTTCTTCAAATCCTAATTTTACCGAAGAAGGAAGTTCAACAGCACAAAG[G>A]TTTTTGGACCCAGTCTTCTTGAGGTATTTCAAAAATATCTTGAAGGCTGCTGAACCAACA-3'
Protein context (NP_055178.3, residues 2013-2033): LKYLKKTGSK[Asn2023=]LCAVELPSSV